The following is an entry in ClinVar:

NC_000009.12:g.(?_127824294)_(127824456_?)del

Gene: ENG (endoglin; minus strand). Cytogenetic location: 9q34.11.
Variant type: Deletion.
Identifiers: ClinVar variation 831280 (VCV000831280.9).

ClinVar aggregate classification (germline): Pathogenic (1 of 4 stars; one submission).

Conditions:
Hereditary hemorrhagic telangiectasia (HHT). Also called: ORW DISEASE; Osler Weber Rendu syndrome; OSLER-RENDU-WEBER DISEASE; Osler hemorrhagic telangiectasia syndrome. Identifiers: Orphanet 774, MedGen C0039445, MONDO:0019180. Disease mechanism: loss of function.

Submission:

Labcorp Genetics (formerly Invitae), Labcorp
Classification: Pathogenic for Hereditary hemorrhagic telangiectasia. Last evaluated: 2019-05-02. Review status: criteria provided, single submitter. Criteria: Invitae Variant Classification Sherloc (09022015). Collection method: clinical testing. Allele origin: germline.
Comment: For these reasons, this variant has been classified as Pathogenic. Loss-of-function variants in ENG are known to be pathogenic (PMID: 15879500, 20656886, 22385575). This variant has been observed to segregate with hereditary hemorrhagic telangiectasia in a family and has been observed in an unrelated individual affected with this condition (PMID: 9245986¬†, 21158752). This variant is an out-of-frame deletion of the genomic region encompassing exon 8 of the ENG gene. This is expected to create a premature translational stop signal and result in an absent or disrupted protein product.

Literature cited by the submitters: PubMed 15879500; PubMed 20656886; PubMed 22385575; PubMed 9245986.